The following is an entry in ClinVar:

NM_000090.4(COL3A1):c.2903G>A (p.Arg968Lys)

Gene: COL3A1 (collagen type III alpha 1 chain; plus strand). Cytogenetic location: 2q32.2.
Variant type: single nucleotide variant.
Coding change: c.2903G>A on transcript NM_000090.4 (MANE Select); coding-DNA position 2903, G replaced by A.
Protein change: p.Arg968Lys; replaces arginine 968 with lysine.
Molecular consequence: missense variant.
Genome position (GRCh38, 1-based): chr2:189,004,336, G>A. VCF-style: chr2-189004336-G-A. GRCh37 (hg19) VCF-style: chr2-189869062-G-A.
Other names: short protein forms R968K.
Identifiers: ClinVar variation 2775133 (VCV002775133.3), dbSNP rs1423033407, ClinGen allele CA349844603.

ClinVar aggregate classification (germline): Uncertain significance. Review status: criteria provided, multiple submitters, no conflicts (2 of 4 stars). 2 submissions from 2 submitters: Uncertain significance (2). Last evaluated 2024-03-07.

Conditions:
Familial thoracic aortic aneurysm and aortic dissection (TAAD). Also called: Thoracic aortic aneurysms and dissections. Identifiers: Orphanet 91387, MedGen C4707243, MONDO:0019625.
Ehlers-Danlos syndrome, type 4 (EDSVASC). Also called: Ehlers-Danlos Syndrome Type IV; Ehlers-Danlos syndrome vascular type; Ehlers Danlos syndrome, ecchymotic type; Ehlers Danlos syndrome, arterial type; Ehlers Danlos syndrome, Sack-Barabas type. Identifiers: Orphanet 286, MedGen C0268338, MONDO:0017314, OMIM 130050.

Allele frequency attached by ClinVar (database versions not stated): TOPMed below 0.00001.

Submissions (2):

Color Diagnostics, LLC DBA Color Health
Classification: Uncertain significance for Familial thoracic aortic aneurysm and aortic dissection. Last evaluated: 2024-03-07. Review status: criteria provided, single submitter. Criteria: ACMG Guidelines, 2015. Collection method: clinical testing. Allele origin: germline.
Comment: This missense variant replaces arginine with lysine at codon 968 of the COL3A1 protein. Computational prediction suggests that this variant may not impact protein structure and function (internally defined REVEL score threshold <= 0.5, PMID: 27666373). To our knowledge, functional studies have not been reported for this variant. This variant has not been reported in individuals affected with COL3A1-related disorders in the literature. This variant has not been identified in the general population by the Genome Aggregation Database (gnomAD). The available evidence is insufficient to determine the role of this variant in disease conclusively. Therefore, this variant is classified as a Variant of Uncertain Significance.

All of Us Research Program, National Institutes of Health
Classification: Uncertain significance for Ehlers-Danlos syndrome, type 4. Last evaluated: 2023-11-30. Review status: criteria provided, single submitter. Criteria: ACMG Guidelines, 2015. Collection method: clinical testing. Allele origin: germline. Inheritance: Autosomal dominant inheritance. Observed: 2 variant alleles, 2 heterozygotes.
Comment: This missense variant replaces arginine with lysine at codon 968 of the COL3A1 protein. Computational prediction suggests that this variant may not impact protein structure and function (internally defined REVEL score threshold <= 0.5, PMID: 27666373). To our knowledge, functional studies have not been reported for this variant. This variant has not been reported in individuals affected with COL3A1-related disorders in the literature. This variant has not been identified in the general population by the Genome Aggregation Database (gnomAD). The available evidence is insufficient to determine the role of this variant in disease conclusively. Therefore, this variant is classified as a Variant of Uncertain Significance.

This study involves interpretation of variants in research participants for the purpose of population health screening. Participant phenotype was not available at the time of variant classification. Additional details can be found in publication PMID: 35346344, PMCID: PMC8962531